The following is an entry in ClinVar:

ClinVar aggregate classification (germline): Benign. Review status: criteria provided, multiple submitters, no conflicts (2 of 4 stars). 5 submissions from 5 submitters: Benign (5). Last evaluated 2021-07-14.

Conditions:
Peters plus syndrome. Also called: KRAUSE-KIVLIN SYNDROME. Identifiers: Orphanet 709, MedGen C0796012, MONDO:0009856, OMIM 261540.

Allele frequency attached by ClinVar (database versions not stated): 1000 Genomes Project 30x 0.48641; 1000 Genomes Project 0.48702; TOPMed 0.57398; ESP Exome Variant Server 0.59234.
gnomAD v4.1: 1,110,354 of 1,611,320 alleles (69%); highest among the groups gnomAD compares: Non-Finnish European, 74%; 394,469 homozygotes.

Submissions (5):

Genome-Nilou Lab
Classification: Benign for Peters plus syndrome. Last evaluated: 2021-07-14. Review status: criteria provided, single submitter. Criteria: ACMG Guidelines, 2015. Collection method: clinical testing. Allele origin: germline. Affected: no.

GeneDx
Classification: Benign. Last evaluated: 2018-07-05. Review status: criteria provided, single submitter. Criteria: GeneDx Variant Classification Process June 2021. Collection method: clinical testing. Allele origin: germline. Affected: yes.

Illumina Laboratory Services, Illumina
Classification: Benign for Peters plus syndrome. Last evaluated: 2018-01-13. Review status: criteria provided, single submitter. Criteria: ICSL Variant Classification Criteria 13 December 2019. Collection method: clinical testing. Allele origin: germline.
Comment: This variant was observed in the ICSL laboratory as part of a predisposition screen in an ostensibly healthy population. It had not been previously curated by ICSL or reported in the Human Gene Mutation Database (HGMD: prior to June 1st, 2018), and was therefore a candidate for classification through an automated scoring system. Utilizing variant allele frequency, disease prevalence and penetrance estimates, and inheritance mode, an automated score was calculated to assess if this variant is too frequent to cause the disease. Based on the score and internal cut-off values, a variant classified as benign is not then subjected to further curation. The score for this variant resulted in a classification of benign for this disease.

Mayo Clinic Laboratories, Mayo Clinic
Classification: Benign. Last evaluated: 2017-12-21. Review status: criteria provided, single submitter. Criteria: ACMG Guidelines, 2015. Collection method: clinical testing. Allele origin: germline. Observed: 37 variant alleles.

Breakthrough Genomics
Classification: Benign. Review status: criteria provided, single submitter. Criteria: ACMG Guidelines, 2015. Collection method: not provided. Allele origin: germline. Inheritance: Autosomal recessive inheritance. Affected: yes.

NM_194318.4(B3GLCT):c.*29G>T

Gene: B3GLCT (beta 3-glucosyltransferase; plus strand). Cytogenetic location: 13q12.3.
Variant type: single nucleotide variant.
Coding change: c.*29G>T on transcript NM_194318.4 (MANE Select); 29 bases downstream of the stop codon, G replaced by T.
Molecular consequence: 3 prime UTR variant.
Genome position (GRCh38, 1-based): chr13:31,329,697, G>T. VCF-style: chr13-31329697-G-T. GRCh37 (hg19) VCF-style: chr13-31903834-G-T.
Identifiers: ClinVar variation 883098 (VCV000883098.11), dbSNP rs1060709, ClinGen allele CA6936954.